The following is an entry in ClinVar:

ClinVar aggregate classification (germline): Uncertain significance (1 of 4 stars; one submission).

Conditions:
Developmental and epileptic encephalopathy 94 (DEE94). Also called: CHD2-Related Neurodevelopmental Disorders; Epileptic encephalopathy, childhood-onset. Identifiers: Orphanet 1942, Orphanet 2382, MedGen C3809278, MONDO:0014150, OMIM 615369.

Submission:

Labcorp Genetics (formerly Invitae), Labcorp
Classification: Uncertain significance for Developmental and epileptic encephalopathy 94. Last evaluated: 2023-09-21. Review status: criteria provided, single submitter. Criteria: Invitae Variant Classification Sherloc (09022015). Collection method: clinical testing. Allele origin: germline.
Comment: This sequence change replaces lysine, which is basic and polar, with isoleucine, which is neutral and non-polar, at codon 1053 of the CHD2 protein (p.Lys1053Ile). This variant is not present in population databases (gnomAD no frequency). This variant has not been reported in the literature in individuals affected with CHD2-related conditions. Advanced modeling of protein sequence and biophysical properties (such as structural, functional, and spatial information, amino acid conservation, physicochemical variation, residue mobility, and thermodynamic stability) performed at Invitae indicates that this missense variant is not expected to disrupt CHD2 protein function. In summary, the available evidence is currently insufficient to determine the role of this variant in disease. Therefore, it has been classified as a Variant of Uncertain Significance.

NM_001271.4(CHD2):c.3158A>T (p.Lys1053Ile)

Gene: CHD2 (chromodomain helicase DNA binding protein 2; plus strand). Cytogenetic location: 15q26.1.
Variant type: single nucleotide variant.
Coding change: c.3158A>T on transcript NM_001271.4 (MANE Select); coding-DNA position 3158, A replaced by T.
Protein change: p.Lys1053Ile; replaces lysine 1053 with isoleucine.
Molecular consequence: missense variant.
Genome position (GRCh38, 1-based): chr15:92,984,421, A>T. VCF-style: chr15-92984421-A-T. GRCh37 (hg19) VCF-style: chr15-93527651-A-T.
Other names: short protein forms K1053I.
Identifiers: ClinVar variation 2810059 (VCV002810059.3), dbSNP rs777131289, ClinGen allele CA393895272.